The following is an entry in ClinVar:

ClinVar aggregate classification (germline): Conflicting classifications of pathogenicity. Review status: criteria provided, conflicting classifications (1 of 4 stars). 2 submissions from 2 submitters: Uncertain significance (1); Likely benign (1). Last evaluated 2026-01-14.

Conditions:
Cohen syndrome (COH1). Also called: Cutis verticis gyrata, retinitis pigmentosa, and sensorineural deafness; PEPPER SYNDROME. Identifiers: Orphanet 193, MedGen C0265223, MONDO:0008999, OMIM 216550.
VPS13B-related disorder. Also called: VPS13B-related condition.

Allele frequency attached by ClinVar (database versions not stated): TOPMed below 0.00001; gnomAD 0.00003; gnomAD exomes 0.00006; ExAC 0.00021; 1000 Genomes Project 0.00040; 1000 Genomes Project 30x 0.00062.
gnomAD v4.1: 95 of 1,613,984 alleles (0.0059%); highest among the groups gnomAD compares: South Asian, 0.1%; 2 homozygotes.

Submissions (2):

Labcorp Genetics (formerly Invitae), Labcorp
Classification: Likely benign for Cohen syndrome. Last evaluated: 2026-01-14. Review status: criteria provided, single submitter. Criteria: Invitae Variant Classification Sherloc (09022015). Collection method: clinical testing. Allele origin: germline.

PreventionGenetics, part of Exact Sciences
Classification: Uncertain significance for VPS13B-related condition. Last evaluated: 2025-08-15. Review status: criteria provided, single submitter. Criteria: ACMG Guidelines, 2015. Collection method: clinical testing. Allele origin: germline.
Comment: The VPS13B c.2189A>G variant is predicted to result in the amino acid substitution p.Tyr730Cys. To our knowledge, this variant has not been reported in the literature. This variant is reported in 0.11% of alleles in individuals of South Asian descent in gnomAD. Although we suspect that this variant may be benign, at this time, the clinical significance of this variant is uncertain due to the absence of conclusive functional and genetic evidence.

NM_152564.5(VPS13B):c.2189A>G (p.Tyr730Cys)

Gene: VPS13B (vacuolar protein sorting 13 homolog B; plus strand). Cytogenetic location: 8q22.2.
Variant type: single nucleotide variant.
Coding change: c.2189A>G on transcript NM_152564.5 (MANE Select); coding-DNA position 2189, A replaced by G.
Protein change: p.Tyr730Cys; replaces tyrosine 730 with cysteine.
Molecular consequence: missense variant.
Genome position (GRCh38, 1-based): chr8:99,156,724, A>G. VCF-style: chr8-99156724-A-G. GRCh37 (hg19) VCF-style: chr8-100168952-A-G.
Other names: c.2189A>G, p.Tyr730Cys (NM_015243.3, NM_017890.5); short protein forms Y730C.
Identifiers: ClinVar variation 2063196 (VCV002063196.5), dbSNP rs561369703, ClinGen allele CA4822838.